The following is an entry in ClinVar:

NM_001347721.2(DYRK1A):c.208-17A>G

Gene: DYRK1A (dual specificity tyrosine phosphorylation regulated kinase 1A; plus strand). Cytogenetic location: 21q22.13.
Variant type: single nucleotide variant.
Coding change: c.208-17A>G on transcript NM_001347721.2 (MANE Select); 17 bases into the intron before coding-DNA position 208, A replaced by G.
Molecular consequence: intron variant. On other transcripts: missense variant (3).
Genome position (GRCh38, 1-based): chr21:37,478,191, A>G. VCF-style: chr21-37478191-A-G. GRCh37 (hg19) VCF-style: chr21-38850493-A-G.
Other names: c.218A>G, p.Asp73Gly (NM_001396.5, NM_101395.2, NM_130438.2); c.208-17A>G (NM_001347722.2, NM_130436.2); c.121-17A>G (NM_001347723.2); short protein forms D73G.
Identifiers: ClinVar variation 1512114 (VCV001512114.8), dbSNP rs2148571354, ClinGen allele CA409943258.

ClinVar aggregate classification (germline): Uncertain significance (1 of 4 stars; one submission).

Conditions:
DYRK1A-related intellectual disability syndrome (MRD7). Also called: Intellectual developmental disorder, autosomal dominant 7; DYRK1A Syndrome. Identifiers: Orphanet 464306, MedGen C5568143, MONDO:0013578, OMIM 614104.

gnomAD v4.1: 7 of 1,614,044 alleles (0.00043%); highest among the groups gnomAD compares: Non-Finnish European, 0.00059%; no homozygotes.

Submission:

Labcorp Genetics (formerly Invitae), Labcorp
Classification: Uncertain significance for DYRK1A-related intellectual disability syndrome. Last evaluated: 2021-02-19. Review status: criteria provided, single submitter. Criteria: Invitae Variant Classification Sherloc (09022015). Collection method: clinical testing. Allele origin: germline.
Comment: This sequence change replaces aspartic acid with glycine at codon 73 of the DYRK1A protein (p.Asp73Gly). The aspartic acid residue is weakly conserved and there is a moderate physicochemical difference between aspartic acid and glycine. In summary, the available evidence is currently insufficient to determine the role of this variant in disease. Therefore, it has been classified as a Variant of Uncertain Significance. Algorithms developed to predict the effect of sequence changes on RNA splicing suggest that this variant may create or strengthen a splice site, but this prediction has not been confirmed by published transcriptional studies. Algorithms developed to predict the effect of missense changes on protein structure and function are either unavailable or do not agree on the potential impact of this missense change (SIFT: "Deleterious"; PolyPhen-2: "Benign"; Align-GVGD: "Class C0"). This variant has not been reported in the literature in individuals with DYRK1A-related conditions. This variant is not present in population databases (ExAC no frequency).